The following is an entry in ClinVar:

NM_001166108.2(PALLD):c.-161A>T

Gene: PALLD (palladin, cytoskeletal associated protein; plus strand). Cytogenetic location: 4q32.3.
Variant type: single nucleotide variant.
Coding change: c.-161A>T on transcript NM_001166108.2 (MANE Select); 161 bases upstream of the start codon, A replaced by T.
Molecular consequence: 5 prime UTR variant.
Genome position (GRCh38, 1-based): chr4:168,497,116, A>T. VCF-style: chr4-168497116-A-T. GRCh37 (hg19) VCF-style: chr4-169418267-A-T.
Other names: c.-161A>T (NM_016081.4).
Identifiers: ClinVar variation 348020 (VCV000348020.7), dbSNP rs2710836, ClinGen allele CA10617354.

ClinVar aggregate classification (germline): Benign. Review status: criteria provided, multiple submitters, no conflicts (2 of 4 stars). 3 submissions from 3 submitters: Benign (3). Last evaluated 2018-01-12.

Conditions:
Pancreatic cancer, susceptibility to, 1. Identifiers: Orphanet 1333, MedGen C1847351, MONDO:0011739, OMIM 606856.

Allele frequency attached by ClinVar (database versions not stated): gnomAD exomes 0.27778; gnomAD 0.33669 and 0.33817; TOPMed 0.36003; 1000 Genomes Project 0.40675; 1000 Genomes Project 30x 0.40912.
gnomAD v4.1: 51,447 of 151,926 alleles (34%); highest among the groups gnomAD compares: East Asian, 60%; 9,239 homozygotes.

Submissions (3):

Illumina Laboratory Services, Illumina
Classification: Benign for Pancreatic cancer, susceptibility to, 1. Last evaluated: 2018-01-12. Review status: criteria provided, single submitter. Criteria: ICSL Variant Classification Criteria 13 December 2019. Collection method: clinical testing. Allele origin: germline.
Comment: This variant was observed in the ICSL laboratory as part of a predisposition screen in an ostensibly healthy population. It had not been previously curated by ICSL or reported in the Human Gene Mutation Database (HGMD: prior to June 1st, 2018), and was therefore a candidate for classification through an automated scoring system. Utilizing variant allele frequency, disease prevalence and penetrance estimates, and inheritance mode, an automated score was calculated to assess if this variant is too frequent to cause the disease. Based on the score and internal cut-off values, a variant classified as benign is not then subjected to further curation. The score for this variant resulted in a classification of benign for this disease.

GeneDx
Classification: Benign. Last evaluated: 2015-03-03. Review status: criteria provided, single submitter. Criteria: GeneDx Variant Classification Process June 2021. Collection method: clinical testing. Allele origin: germline. Affected: yes.

Breakthrough Genomics
Classification: Benign. Review status: criteria provided, single submitter. Criteria: ACMG Guidelines, 2015. Collection method: not provided. Allele origin: germline. Inheritance: Autosomal dominant inheritance. Affected: yes.